The following is an entry in ClinVar:

NM_001365999.1(SZT2):c.5651C>T (p.Thr1884Ile)

Gene: SZT2 (SZT2 subunit of KICSTOR complex; plus strand). Cytogenetic location: 1p34.2.
Variant type: single nucleotide variant.
Coding change: c.5651C>T on transcript NM_001365999.1 (MANE Select); coding-DNA position 5651, C replaced by T.
Protein change: p.Thr1884Ile; replaces threonine 1884 with isoleucine.
Molecular consequence: missense variant.
Genome position (GRCh38, 1-based): chr1:43,433,037, C>T. VCF-style: chr1-43433037-C-T. GRCh37 (hg19) VCF-style: chr1-43898708-C-T.
Other names: c.5480C>T, p.Thr1827Ile (NM_015284.4); short protein forms T1827I, T1884I.
Identifiers: ClinVar variation 644602 (VCV000644602.11), dbSNP rs1570679912, ClinGen allele CA340026036.
Genomic context (GRCh38, chr1:43,433,037, plus strand): 5'-CATCTGACACAGGTTATGATGGTGGCAGCAGTGGCTCAGACAGTGAGGGTCCCAATGACA[C>T]CCTTGGTGAGAAGGCCCCCTTCACATTGCGGACTCCACCTGGGCCAGCACCTCCACAGCC-3'
Protein context (NP_001352928.1, residues 1874-1894): SGSDSEGPND[Thr1884Ile]LGEKAPFTLR

ClinVar aggregate classification (germline): Uncertain significance. Review status: criteria provided, multiple submitters, no conflicts (2 of 4 stars). 3 submissions from 3 submitters: Uncertain significance (3). Last evaluated 2023-04-11.

Conditions:
Developmental and epileptic encephalopathy, 18 (DEE18). Also called: Early infantile epileptic encephalopathy 18. Identifiers: Orphanet 369894, MedGen C3809624, MONDO:0014201, OMIM 615476.

Allele frequency attached by ClinVar (database versions not stated): gnomAD exomes below 0.00001.
gnomAD v4.1: 6 of 1,614,140 alleles (0.00037%); highest among the groups gnomAD compares: African/African-American, 0.0013%; no homozygotes.

Submissions (3):

Genome-Nilou Lab
Classification: Uncertain significance for Developmental and epileptic encephalopathy, 18. Last evaluated: 2023-04-11. Review status: criteria provided, single submitter. Criteria: ACMG Guidelines, 2015. Collection method: clinical testing. Allele origin: germline. Affected: no.

Labcorp Genetics (formerly Invitae), Labcorp
Classification: Uncertain significance. Last evaluated: 2020-06-07. Review status: criteria provided, single submitter. Criteria: Invitae Variant Classification Sherloc (09022015). Collection method: clinical testing. Allele origin: germline.
Comment: This sequence change replaces threonine with isoleucine at codon 1827 of the SZT2 protein (p.Thr1827Ile). The threonine residue is highly conserved and there is a moderate physicochemical difference between threonine and isoleucine. This variant is not present in population databases (ExAC no frequency). This variant has not been reported in the literature in individuals with SZT2-related disease. Algorithms developed to predict the effect of missense changes on protein structure and function are either unavailable or do not agree on the potential impact of this missense change (SIFT: "Deleterious"; PolyPhen-2: "Benign"; Align-GVGD: "Class C0"). In summary, the available evidence is currently insufficient to determine the role of this variant in disease. Therefore, it has been classified as a Variant of Uncertain Significance.

GeneDx
Classification: Uncertain significance. Last evaluated: 2019-08-28. Review status: criteria provided, single submitter. Criteria: GeneDx Variant Classification Process June 2021. Collection method: clinical testing. Allele origin: germline. Affected: yes.
Comment: Not observed in large population cohorts (Lek et al., 2016); In silico analysis, which includes protein predictors and evolutionary conservation, supports that this variant does not alter protein structure/function; Has not been previously published as pathogenic or benign to our knowledge